The following is an entry in ClinVar:

NM_130398.4(EXO1):c.942G>T (p.Gly314=)

Gene: EXO1 (exonuclease 1; plus strand). Cytogenetic location: 1q43.
Variant type: single nucleotide variant.
Coding change: c.942G>T on transcript NM_130398.4 (MANE Select); coding-DNA position 942, G replaced by T.
Protein change: p.Gly314=; no amino-acid change (glycine 314 retained).
Molecular consequence: synonymous variant.
Genome position (GRCh38, 1-based): chr1:241,860,702, G>T. VCF-style: chr1-241860702-G-T. GRCh37 (hg19) VCF-style: chr1-242024004-G-T.
Other names: NC_000001.10:g.242024004G>T; c.942G>T, p.Gly314= (NM_001319224.2, NM_003686.4, NM_006027.4).
Identifiers: ClinVar variation 3058501 (VCV003058501.3), dbSNP rs569695378, ClinGen allele CA1481195.

ClinVar aggregate classification (germline): Likely benign (0 of 4 stars; one submission).

Conditions:
EXO1-related disorder. Also called: EXO1-related condition.

Allele frequency attached by ClinVar (database versions not stated): ExAC 0.00039; 1000 Genomes Project 0.00080; 1000 Genomes Project 30x 0.00094; TOPMed 0.00002; gnomAD 0.00007.
gnomAD v4.1: 246 of 1,611,336 alleles (0.015%); highest among the groups gnomAD compares: South Asian, 0.24%; 1 homozygote.

Submissions (2):

PreventionGenetics, part of Exact Sciences
Classification: Likely benign for EXO1-related condition. Last evaluated: 2019-04-05. Review status: no assertion criteria provided. Collection method: clinical testing. Allele origin: germline.
Comment: This variant is classified as likely benign based on ACMG/AMP sequence variant interpretation guidelines (Richards et al. 2015 PMID: 25741868, with internal and published modifications).

Dr. Peter K. Rogan Lab, Western University
No classification provided (evidence only). Condition: Ovarian cancer. Review status: no classification provided. Collection method: in vitro. Allele origin: not applicable. Functional consequence: retained intron. Not counted in ClinVar's aggregate classification.